The following is an entry in ClinVar:

NM_003673.4(TCAP):c.50G>C (p.Arg17Pro)

Gene: TCAP (titin-cap; plus strand). Cytogenetic location: 17q12.
Variant type: single nucleotide variant.
Coding change: c.50G>C on transcript NM_003673.4 (MANE Select); coding-DNA position 50, G replaced by C.
Protein change: p.Arg17Pro; replaces arginine 17 with proline.
Molecular consequence: missense variant.
Genome position (GRCh38, 1-based): chr17:39,665,409, G>C. VCF-style: chr17-39665409-G-C. GRCh37 (hg19) VCF-style: chr17-37821662-G-C.
Other names: short protein forms R17P.
Identifiers: ClinVar variation 862031 (VCV000862031.11), dbSNP rs750796201, ClinGen allele CA8532824.

ClinVar aggregate classification (germline): Uncertain significance. Review status: criteria provided, multiple submitters, no conflicts (2 of 4 stars). 3 submissions from 3 submitters: Uncertain significance (3). Last evaluated 2023-12-30.

Conditions:
Hypertrophic cardiomyopathy 25 (CMH25). Also called: CARDIOMYOPATHY, FAMILIAL HYPERTROPHIC, 25. Identifiers: MedGen C4225408, MONDO:0011843, OMIM 607487.
Primary familial hypertrophic cardiomyopathy (HCM). Identifiers: Orphanet 99739, MedGen C0949658, MeSH D024741, MONDO:0024573. Inheritance: Various modes of inheritance.
Cardiovascular phenotype. Identifiers: MedGen CN230736.

Allele frequency attached by ClinVar (database versions not stated): TOPMed below 0.00001.

Submissions (3):

Labcorp Genetics (formerly Invitae), Labcorp
Classification: Uncertain significance for Hypertrophic cardiomyopathy 25; Primary familial hypertrophic cardiomyopathy. Last evaluated: 2023-12-30. Review status: criteria provided, single submitter. Criteria: Invitae Variant Classification Sherloc (09022015). Collection method: clinical testing. Allele origin: germline.
Comment: This sequence change replaces arginine, which is basic and polar, with proline, which is neutral and non-polar, at codon 17 of the TCAP protein (p.Arg17Pro). This variant is present in population databases (rs750796201, gnomAD 0.006%). This variant has not been reported in the literature in individuals affected with TCAP-related conditions. ClinVar contains an entry for this variant (Variation ID: 862031). An algorithm developed to predict the effect of missense changes on protein structure and function (PolyPhen-2) suggests that this variant is likely to be disruptive. In summary, the available evidence is currently insufficient to determine the role of this variant in disease. Therefore, it has been classified as a Variant of Uncertain Significance.

Ambry Genetics
Classification: Uncertain significance for Cardiovascular phenotype. Last evaluated: 2023-04-07. Review status: criteria provided, single submitter. Criteria: Ambry Variant Classification Scheme 2023. Collection method: clinical testing. Allele origin: germline.
Comment: The p.R17P variant (also known as c.50G>C), located in coding exon 1 of the TCAP gene, results from a G to C substitution at nucleotide position 50. The arginine at codon 17 is replaced by proline, an amino acid with dissimilar properties. This amino acid position is conserved. In addition, this alteration is predicted to be deleterious by in silico analysis. Since supporting evidence is limited at this time, the clinical significance of this alteration remains unclear.

Athena Diagnostics
Classification: Uncertain significance. Last evaluated: 2022-08-04. Review status: criteria provided, single submitter. Criteria: Athena Diagnostics Criteria. Collection method: clinical testing. Allele origin: unknown.